The following is an entry in ClinVar:

ClinVar aggregate classification (germline): Uncertain significance. Review status: criteria provided, multiple submitters, no conflicts (2 of 4 stars). 4 submissions from 4 submitters: Uncertain significance (3). 1 of the submissions does not count toward it. Last evaluated 2026-01-24.

Conditions:
Inborn genetic diseases. Identifiers: MedGen C0950123, MeSH D030342.
Deafness-lymphedema-leukemia syndrome. Also called: Lymphedema, primary, with myelodysplasia; Emberger syndrome. Identifiers: Orphanet 3226, MedGen C3279664, MONDO:0013540, OMIM 614038.
Monocytopenia with susceptibility to infections. Also called: MONOCYTOPENIA AND MYCOBACTERIAL INFECTION SYNDROME; MONOCYTOPENIA WITH SUSCEPTIBILITY TO MYCOBACTERIAL, FUNGAL, AND PAPILLOMAVIRUS INFECTIONS AND MYELODYSPLASIA; COMBINED IMMUNODEFICIENCY WITH SUSCEPTIBILITY TO MYCOBACTERIAL, VIRAL, AND FUNGAL INFECTIONS; Dendritic cell, monocyte, B lymphocyte, and natural killer lymphocyte deficiency; IMMUNODEFICIENCY 21; GATA2 DEFICIENCY. Identifiers: Orphanet 228423, MedGen C3280030, MONDO:0013607, OMIM 614172.

Allele frequency attached by ClinVar (database versions not stated): gnomAD exomes 0.00001; ExAC 0.00005; 1000 Genomes Project 30x 0.00031; 1000 Genomes Project 0.00020.
gnomAD v4.1: 5 of 1,561,510 alleles (0.00032%); highest among the groups gnomAD compares: Admixed American, 0.0097%; no homozygotes.

Submissions (4):

Labcorp Genetics (formerly Invitae), Labcorp
Classification: Uncertain significance for Monocytopenia with susceptibility to infections; Deafness-lymphedema-leukemia syndrome. Last evaluated: 2026-01-24. Review status: criteria provided, single submitter. Criteria: Invitae Variant Classification Sherloc (09022015). Collection method: clinical testing. Allele origin: germline.
Comment: This sequence change replaces threonine, which is neutral and polar, with lysine, which is basic and polar, at codon 124 of the GATA2 protein (p.Thr124Lys). The frequency data for this variant in the population databases is considered unreliable, as metrics indicate poor data quality at this position in the gnomAD database. This variant has not been reported in the literature in individuals affected with GATA2-related conditions. ClinVar contains an entry for this variant (Variation ID: 134464). Invitae Evidence Modeling of protein sequence and biophysical properties (such as structural, functional, and spatial information, amino acid conservation, physicochemical variation, residue mobility, and thermodynamic stability) indicates that this missense variant is not expected to disrupt GATA2 protein function with a negative predictive value of 95%. In summary, the available evidence is currently insufficient to determine the role of this variant in disease. Therefore, it has been classified as a Variant of Uncertain Significance.

Ambry Genetics
Classification: Uncertain significance for Inborn genetic diseases. Last evaluated: 2025-05-30. Review status: criteria provided, single submitter. Criteria: Ambry Variant Classification Scheme 2023. Collection method: clinical testing. Allele origin: germline.
Comment: The p.T124K variant (also known as c.371C>A), located in coding exon 2 of the GATA2 gene, results from a C to A substitution at nucleotide position 371. The threonine at codon 124 is replaced by lysine, an amino acid with similar properties. This amino acid position is well conserved in available vertebrate species. In addition, the in silico prediction for this alteration is inconclusive. Based on the available evidence, the clinical significance of this variant remains unclear.

Genetic Services Laboratory, University of Chicago
Classification: Uncertain significance. Last evaluated: 2019-02-27. Review status: criteria provided, single submitter. Criteria: ACMG Guidelines, 2015. Collection method: clinical testing. Allele origin: germline. Affected: no.

ITMI
No classification provided. Condition: AllHighlyPenetrant. Last evaluated: 2013-09-19. Review status: no classification provided. Collection method: reference population. Allele origin: germline. Not counted in ClinVar's aggregate classification.
Comment: Please see associated publication for description of ethnicities

Literature cited by the submitters: PubMed 33850299 (cited by Ambry Genetics); PubMed 24728327 (cited by ITMI).

NM_032638.5(GATA2):c.371C>A (p.Thr124Lys)

Gene: GATA2 (GATA binding protein 2; minus strand). Cytogenetic location: 3q21.3.
Variant type: single nucleotide variant.
Coding change: c.371C>A on transcript NM_032638.5 (MANE Select); coding-DNA position 371, C replaced by A.
Protein change: p.Thr124Lys; replaces threonine 124 with lysine.
Molecular consequence: missense variant.
Genome position (GRCh38, 1-based): chr3:128,486,227, G>T on the plus strand (C>A on the coding strand, the complement: GATA2 is on the minus strand). VCF-style: chr3-128486227-G-T. GRCh37 (hg19) VCF-style: chr3-128205070-G-T.
Other names: c.371C>A, p.Thr124Lys (NM_001145661.2, NM_001145662.1); short protein forms T124K.
Identifiers: ClinVar variation 134464 (VCV000134464.15), dbSNP rs569301892, ClinGen allele CA159889.
Genomic context (GRCh38, chr3:128,486,227, plus strand): 5'-GCCCCTGGGTACACAGAGAGTGGGCCTCCAGGGCCTCCAGCAGCTGAGGGGTGCAGTGGC[G>T]TCTTGGAGAAGGGGCTCACGGTCCAGGGGTTGTGGTGGTGGGCCGCAGCGGCAGAGAGGG-3'
Protein context (NP_116027.2, residues 114-134): NPWTVSPFSK[Thr124Lys]PLHPSAAGGP